The following is an entry in ClinVar:

NM_000051.4(ATM):c.3340A>T (p.Lys1114Ter)

Gene: ATM (ATM serine/threonine kinase; plus strand). Cytogenetic location: 11q22.3.
Variant type: single nucleotide variant.
Coding change: c.3340A>T on transcript NM_000051.4 (MANE Select); coding-DNA position 3340, A replaced by T.
Protein change: p.Lys1114Ter; replaces lysine 1114 with a stop codon.
Molecular consequence: nonsense.
Genome position (GRCh38, 1-based): chr11:108,279,546, A>T. VCF-style: chr11-108279546-A-T. GRCh37 (hg19) VCF-style: chr11-108150273-A-T.
Other names: c.3340A>T, p.Lys1114Ter (NM_001351834.2); short protein forms K1114*.
Identifiers: ClinVar variation 479105 (VCV000479105.7), dbSNP rs1049900772, ClinGen allele CA382517596.
Genomic context (GRCh38, chr11:108,279,546, plus strand): 5'-TTAAGATTGTTCCAGGACACGAAGGGAGATTCTTCCAGGTTACTGAAAGCACTTCCTTTG[A>T]AGCTTCAGCAAACAGCTTTTGAAAATGCATACTTGAAAGCTCAGGAAGGAATGAGAGAAA-3'

ClinVar aggregate classification (germline): Pathogenic. Review status: criteria provided, multiple submitters, no conflicts (2 of 4 stars). 3 submissions from 3 submitters: Pathogenic (3). Last evaluated 2025-08-18.

Conditions:
Hereditary cancer-predisposing syndrome. Also called: Tumor predisposition; Neoplastic Syndromes, Hereditary; Hereditary Cancer Syndrome; Hereditary neoplastic syndrome. Identifiers: Orphanet 140162, MedGen C0027672, MeSH D009386, MONDO:0015356.
Familial cancer of breast. Also called: BREAST CANCER, FAMILIAL; Hereditary breast cancer; hereditary breast carcinoma. Identifiers: Orphanet 227535, MedGen C0346153, MONDO:0016419, OMIM 114480. Disease mechanism: loss of function.
Ataxia-telangiectasia syndrome (AT). Also called: Cerebello-oculocutaneous telangiectasia; Immunodeficiency with ataxia telangiectasia; ATAXIA-TELANGIECTASIA, COMPLEMENTATION GROUP A; Ataxia-telangiectasia, complementation group D; AT, COMPLEMENTATION GROUP C; ATAXIA-TELANGIECTASIA, FRESNO VARIANT. Identifiers: Orphanet 100, MedGen C0004135, MONDO:0008840, OMIM 208900.

Submissions (3):

Labcorp Genetics (formerly Invitae), Labcorp
Classification: Pathogenic for Ataxia-telangiectasia syndrome. Last evaluated: 2025-08-18. Review status: criteria provided, single submitter. Criteria: Invitae Variant Classification Sherloc (09022015). Collection method: clinical testing. Allele origin: germline.
Comment: This sequence change creates a premature translational stop signal (p.Lys1114*) in the ATM gene. It is expected to result in an absent or disrupted protein product. Loss-of-function variants in ATM are known to be pathogenic (PMID: 23807571, 25614872). This variant is not present in population databases (gnomAD no frequency). This premature translational stop signal has been observed in individual(s) with pancreatic cancer (PMID: 29506128). ClinVar contains an entry for this variant (Variation ID: 479105). Algorithms developed to predict the effect of sequence changes on RNA splicing suggest that this variant may disrupt the consensus splice site. For these reasons, this variant has been classified as Pathogenic.

Myriad Genetics, Inc.
Classification: Pathogenic for Familial cancer of breast. Last evaluated: 2024-01-19. Review status: criteria provided, single submitter. Criteria: Myriad Autosomal Dominant, Autosomal Recessive and X-Linked Classification Criteria (2023). Collection method: clinical testing. Allele origin: unknown.
Comment: This variant is considered pathogenic. This variant creates a termination codon and is predicted to result in premature protein truncation.

Ambry Genetics
Classification: Pathogenic for Hereditary cancer-predisposing syndrome. Last evaluated: 2017-07-14. Review status: criteria provided, single submitter. Criteria: Ambry Variant Classification Scheme 2023. Collection method: clinical testing. Allele origin: germline.
Comment: The p.K1114* pathogenic mutation (also known as c.3340A>T), located in coding exon 22 of the ATM gene, results from an A to T substitution at nucleotide position 3340. This changes the amino acid from a lysine to a stop codon within coding exon 22. This alteration is expected to result in loss of function by premature protein truncation or nonsense-mediated mRNA decay. As such, this alteration is interpreted as a disease-causing mutation.

Literature cited by the submitters: PubMed 23807571 (cited by Labcorp Genetics (formerly Invitae), Labcorp); PubMed 25614872 (cited by Labcorp Genetics (formerly Invitae), Labcorp); PubMed 29506128 (cited by Labcorp Genetics (formerly Invitae), Labcorp).